The following is an entry in ClinVar:

ClinVar aggregate classification (germline): Pathogenic (1 of 4 stars; one submission).

Conditions:
Glycogen storage disease, type II (IOPD). Also called: Pompe Disease; Glycogen storage disease type 2; Acid maltase deficiency disease; Aglucosidase alfa; Deficiency of alpha-glucosidase; Deficiency of lysosomal alpha-glucosidase. Identifiers: Orphanet 365, MedGen C0017921, MONDO:0009290, OMIM 232300.

gnomAD v4.1: 1 of 1,612,546 alleles (0.000062%); highest among the groups gnomAD compares: Non-Finnish European, 0.000085%; no homozygotes.

Submission:

Labcorp Genetics (formerly Invitae), Labcorp
Classification: Pathogenic for Glycogen storage disease, type II. Last evaluated: 2022-01-03. Review status: criteria provided, single submitter. Criteria: Invitae Variant Classification Sherloc (09022015). Collection method: clinical testing. Allele origin: germline.
Comment: For these reasons, this variant has been classified as Pathogenic. This premature translational stop signal has been observed in individual(s) with Pompe disease (PMID: 29122469). This variant is not present in population databases (gnomAD no frequency). This sequence change creates a premature translational stop signal (p.Tyr609*) in the GAA gene. It is expected to result in an absent or disrupted protein product. Loss-of-function variants in GAA are known to be pathogenic (PMID: 18425781, 22252923).

Literature cited by the submitters: PubMed 29122469; PubMed 18425781; PubMed 22252923.

NM_000152.5(GAA):c.1827C>A (p.Tyr609Ter)

Gene: GAA (alpha glucosidase; plus strand). Cytogenetic location: 17q25.3.
Variant type: single nucleotide variant.
Coding change: c.1827C>A on transcript NM_000152.5 (MANE Select); coding-DNA position 1827, C replaced by A.
Protein change: p.Tyr609Ter; replaces tyrosine 609 with a stop codon.
Molecular consequence: nonsense.
Genome position (GRCh38, 1-based): chr17:80,112,650, C>A. VCF-style: chr17-80112650-C-A. GRCh37 (hg19) VCF-style: chr17-78086449-C-A.
Other names: c.1827C>A, p.Tyr609Ter (NM_001079803.3, NM_001079804.3, NM_001406741.1 and 1 more transcripts); short protein forms Y609*.
Identifiers: ClinVar variation 1902509 (VCV001902509.5), dbSNP rs745754277, ClinGen allele CA401369533.